The following is an entry in ClinVar:

NM_003978.5(PSTPIP1):c.1144G>C (p.Ala382Pro)

Gene: PSTPIP1 (proline-serine-threonine phosphatase interacting protein 1; plus strand). Cytogenetic location: 15q24.3.
Variant type: single nucleotide variant.
Coding change: c.1144G>C on transcript NM_003978.5 (MANE Select); coding-DNA position 1144, G replaced by C.
Protein change: p.Ala382Pro; replaces alanine 382 with proline.
Molecular consequence: missense variant. On other transcripts: non-coding transcript variant (1).
Genome position (GRCh38, 1-based): chr15:77,037,069, G>C. VCF-style: chr15-77037069-G-C. GRCh37 (hg19) VCF-style: chr15-77329410-G-C.
Other names: c.1087G>C, p.Ala363Pro (NM_001321135.2); c.1117G>C, p.Ala373Pro (NM_001321136.2); c.1339G>C, p.Ala447Pro (NM_001321137.1); short protein forms A382P, A363P, A373P, A447P.
Identifiers: ClinVar variation 565740 (VCV000565740.8), dbSNP rs145344175, ClinGen allele CA393521972.

ClinVar aggregate classification (germline): Uncertain significance (1 of 4 stars; one submission).

Conditions:
Pyogenic arthritis-pyoderma gangrenosum-acne syndrome (PAPA). Also called: PAPA SYNDROME; FAMILIAL RECURRENT ARTHRITIS. Identifiers: Orphanet 69126, MedGen C1858361, MONDO:0011462, OMIM 604416.

Submission:

Labcorp Genetics (formerly Invitae), Labcorp
Classification: Uncertain significance for Pyogenic arthritis-pyoderma gangrenosum-acne syndrome. Last evaluated: 2018-06-19. Review status: criteria provided, single submitter. Criteria: Invitae Variant Classification Sherloc (09022015). Collection method: clinical testing. Allele origin: germline.
Comment: Algorithms developed to predict the effect of missense changes on protein structure and function are either unavailable or do not agree on the potential impact of this missense change (SIFT: "Tolerated"; PolyPhen-2: "Possibly Damaging"; Align-GVGD: "Class C0"). In summary, the available evidence is currently insufficient to determine the role of this variant in disease. Therefore, it has been classified as a Variant of Uncertain Significance. This variant has not been reported in the literature in individuals with PSTPIP1-related disease. This variant is not present in population databases (ExAC no frequency). This sequence change replaces alanine with proline at codon 382 of the PSTPIP1 protein (p.Ala382Pro). The alanine residue is weakly conserved and there is a small physicochemical difference between alanine and proline.